The following is an entry in ClinVar:

ClinVar aggregate classification (germline): Uncertain significance. Review status: criteria provided, multiple submitters, no conflicts (2 of 4 stars). 2 submissions from 2 submitters: Uncertain significance (2). Last evaluated 2025-01-14.

Conditions:
Bloom syndrome (BLM). Also called: Bloom-Torre-Machacek syndrome. Identifiers: Orphanet 125, MedGen C0005859, MONDO:0008876, OMIM 210900.
Hereditary cancer-predisposing syndrome. Also called: Neoplastic Syndromes, Hereditary; Tumor predisposition; Hereditary neoplastic syndrome; Hereditary Cancer Syndrome. Identifiers: Orphanet 140162, MedGen C0027672, MeSH D009386, MONDO:0015356.

Allele frequency attached by ClinVar (database versions not stated): gnomAD 0.00001.
gnomAD v4.1: 1 of 1,613,834 alleles (0.000062%); highest among the groups gnomAD compares: Non-Finnish European, 0.000085%; no homozygotes.

Submissions (2):

Ambry Genetics
Classification: Uncertain significance for Hereditary cancer-predisposing syndrome. Last evaluated: 2025-01-14. Review status: criteria provided, single submitter. Criteria: Ambry Variant Classification Scheme 2023. Collection method: clinical testing. Allele origin: germline.
Comment: The p.L829F variant (also known as c.2485C>T), located in coding exon 11 of the BLM gene, results from a C to T substitution at nucleotide position 2485. The leucine at codon 829 is replaced by phenylalanine, an amino acid with highly similar properties. This amino acid position is conserved. In addition, the in silico prediction for this alteration is inconclusive. Since supporting evidence is limited at this time, the clinical significance of this alteration remains unclear.

Labcorp Genetics (formerly Invitae), Labcorp
Classification: Uncertain significance for Bloom syndrome. Last evaluated: 2023-05-30. Review status: criteria provided, single submitter. Criteria: Invitae Variant Classification Sherloc (09022015). Collection method: clinical testing. Allele origin: germline.
Comment: This variant has not been reported in the literature in individuals affected with BLM-related conditions. In summary, the available evidence is currently insufficient to determine the role of this variant in disease. Therefore, it has been classified as a Variant of Uncertain Significance. Advanced modeling of protein sequence and biophysical properties (such as structural, functional, and spatial information, amino acid conservation, physicochemical variation, residue mobility, and thermodynamic stability) performed at Invitae indicates that this missense variant is expected to disrupt BLM protein function. ClinVar contains an entry for this variant (Variation ID: 2452529). This variant is present in population databases (no rsID available, gnomAD 0.007%). This sequence change replaces leucine, which is neutral and non-polar, with phenylalanine, which is neutral and non-polar, at codon 829 of the BLM protein (p.Leu829Phe).

NM_000057.4(BLM):c.2485C>T (p.Leu829Phe)

Gene: BLM (BLM RecQ like helicase; plus strand). Cytogenetic location: 15q26.1.
Variant type: single nucleotide variant.
Coding change: c.2485C>T on transcript NM_000057.4 (MANE Select); coding-DNA position 2485, C replaced by T.
Protein change: p.Leu829Phe; replaces leucine 829 with phenylalanine.
Molecular consequence: missense variant.
Genome position (GRCh38, 1-based): chr15:90,769,516, C>T. VCF-style: chr15-90769516-C-T. GRCh37 (hg19) VCF-style: chr15-91312746-C-T.
Other names: c.2485C>T, p.Leu829Phe (NM_001287246.2, NM_001287247.2); c.1360C>T, p.Leu454Phe (NM_001287248.2); short protein forms L454F, L829F.
Identifiers: ClinVar variation 2452529 (VCV002452529.6), dbSNP rs1408373309, ClinGen allele CA393845423.